The following is an entry in ClinVar:

ClinVar aggregate classification (germline): Pathogenic. Review status: criteria provided, multiple submitters, no conflicts (2 of 4 stars). 2 submissions from 2 submitters: Pathogenic (2). Last evaluated 2023-06-27.

Submissions (2):

Labcorp Genetics (formerly Invitae), Labcorp
Classification: Pathogenic. Last evaluated: 2023-06-27. Review status: criteria provided, single submitter. Criteria: Invitae Variant Classification Sherloc (09022015). Collection method: clinical testing. Allele origin: germline.
Comment: For these reasons, this variant has been classified as Pathogenic. ClinVar contains an entry for this variant (Variation ID: 429758). This variant has not been reported in the literature in individuals affected with FRAS1-related conditions. This variant is not present in population databases (gnomAD no frequency). This sequence change creates a premature translational stop signal (p.Lys2336Argfs*42) in the FRAS1 gene. It is expected to result in an absent or disrupted protein product. Loss-of-function variants in FRAS1 are known to be pathogenic (PMID: 12766769, 18671281).

GeneDx
Classification: Pathogenic. Last evaluated: 2015-09-28. Review status: criteria provided, single submitter. Criteria: GeneDx Variant Classification (06012015). Collection method: clinical testing. Allele origin: germline. Affected: yes.
Comment: The c.7005delT deletion in the FRAS1 gene has not been reported previously as a pathogenic variantnor as a benign variant, to our knowledge. The c.7005delT variant causes a frameshift starting withcodon Lysine 2336, changes this amino acid to an Arginine residue, and creates a premature Stopcodon at position 42 of the new reading frame, denoted p.Lys2336ArgfsX42. This deletion is predictedto cause loss of normal protein function either through protein truncation or nonsense-mediatedmRNA decay. The c.7005delT variant was not observed in approximately 6300 individuals ofEuropean and African American ancestry in the NHLBI Exome Sequencing Project, indicating it is nota common benign variant in these populations. Therefore, we interpret c.7005delT as a pathogenicvariant.

Literature cited by the submitters: PubMed 12766769 (cited by Labcorp Genetics (formerly Invitae), Labcorp); PubMed 18671281 (cited by Labcorp Genetics (formerly Invitae), Labcorp).

NM_025074.7(FRAS1):c.7005del (p.Lys2336fs)

Gene: FRAS1 (Fraser extracellular matrix complex subunit 1; plus strand). Cytogenetic location: 4q21.21.
Variant type: Deletion.
Coding change: c.7005del on transcript NM_025074.7 (MANE Select); coding-DNA position 7005, one base deleted (T; older notation c.7005delT).
Protein change: p.Lys2336fs; shifts the reading frame from lysine 2336.
Molecular consequence: frameshift variant.
Genome position (GRCh38, 1-based): chr4:78,464,559, T deleted; the last of 2 consecutive T bases (chr4:78,464,558-78,464,559); deleting either gives the same sequence. VCF-style (leftmost placement, unchanged base first): chr4-78464557-CT-C. GRCh37 (hg19) VCF-style: chr4-79385711-CT-C.
Other names: short protein forms K2336fs.
Identifiers: ClinVar variation 429758 (VCV000429758.5), dbSNP rs1131691572, ClinGen allele CA645369341.